The following is an entry in ClinVar:

ClinVar aggregate classification (germline): Pathogenic (1 of 4 stars; one submission).

Conditions:
Cystinosis. Also called: Cystine diathesis; Cystine storage disease; Cystinoses. Identifiers: Orphanet 213, MedGen C4316899, MONDO:0016239.

Submission:

Myriad Genetics, Inc.
Classification: Pathogenic for Cystinosis. Last evaluated: 2025-03-08. Review status: criteria provided, single submitter. Criteria: Myriad Autosomal Dominant, Autosomal Recessive and X-Linked Classification Criteria (2023). Collection method: clinical testing. Allele origin: unknown.
Comment: NM_004937.2(CTNS):c.336delG(I113Yfs*5) is expected to be pathogenic in the context of cystinosis. This variant is predicted to lead to an abnormal or absent protein product due to the creation of a premature termination codon in CTNS, a gene where loss-of-function variants are known to be pathogenic. Please note: this variant was assessed in the context of healthy population screening.

NM_004937.3(CTNS):c.336del (p.Ile113fs)

Genes: CTNS (cystinosin, lysosomal cystine transporter; plus strand), CTNS-AS1 (CTNS antisense RNA 1; minus strand). Cytogenetic location: 17p13.2.
Variant type: Deletion.
Coding change: c.336del on transcript NM_004937.3 (MANE Select); coding-DNA position 336, one base deleted (G; older notation c.336delG).
Protein change: p.Ile113fs; shifts the reading frame from isoleucine 113.
Molecular consequence: frameshift variant. On other transcripts: 5 prime UTR variant (4).
Genome position (GRCh38, 1-based): chr17:3,655,227, G deleted; the last of 2 consecutive G bases (chr17:3,655,226-3,655,227); deleting either gives the same sequence. VCF-style (leftmost placement, unchanged base first): chr17-3655225-AG-A. GRCh37 (hg19) VCF-style: chr17-3558519-AG-A.
Other names: c.336del, p.Ile113fs (NM_001031681.3, NM_001374492.1); c.-106del (NM_001374493.1, NM_001374494.1, NM_001374495.1 and 1 more transcripts); short protein forms I113fs.
Identifiers: ClinVar variation 5014189 (VCV005014189.1).
Genomic context (GRCh38, chr17:3,655,225, plus strand): 5'-GAGTCTCCTTCAGAAGCCCAGCCTCAGCTCATCCCGGTCCCCAAACTCCTTTCCAGCCCG[AG>A]GATACGCTTTCTTGTGATCCGCAGCAGCGCCATTAGCATCATAAACCAGGTGATTGGCTG-3'